The following is an entry in ClinVar:

ClinVar aggregate classification (germline): Pathogenic (1 of 4 stars; one submission).

Conditions:
Microcephaly 1, primary, autosomal recessive (MCPH1). Also called: PREMATURE CHROMOSOME CONDENSATION SYNDROME; PCC SYNDROME; PREMATURE CHROMOSOME CONDENSATION WITH MICROCEPHALY AND MENTAL RETARDATION. Identifiers: Orphanet 2512, MedGen C1855081, MONDO:0009617, OMIM 251200.

Submission:

Myriad Genetics, Inc.
Classification: Pathogenic for Microcephaly 1, primary, autosomal recessive. Last evaluated: 2026-02-25. Review status: criteria provided, single submitter. Criteria: Myriad Autosomal Dominant, Autosomal Recessive and X-Linked Classification Criteria (2023). Collection method: clinical testing. Allele origin: unknown.
Comment: NM_024596.3(MCPH1):c.539T>G(L180*) is a nonsense variant classified as pathogenic in the context of primary microcephaly, MCPH1-related. L180* has not been observed in cases with relevant disease. Relevant functional assessments of this variant are not available in the literature. L180* has not been observed in referenced population frequency databases. In summary, NM_024596.3(MCPH1):c.539T>G(L180*) is a nonsense variant in a gene where loss of function is a known mechanism of disease and is predicted to disrupt protein function. Please note: this variant was assessed in the context of healthy population screening.

NM_024596.5(MCPH1):c.539T>G (p.Leu180Ter)

Gene: MCPH1 (microcephalin 1; plus strand). Cytogenetic location: 8p23.1.
Variant type: single nucleotide variant.
Coding change: c.539T>G on transcript NM_024596.5 (MANE Select); coding-DNA position 539, T replaced by G.
Protein change: p.Leu180Ter; replaces leucine 180 with a stop codon.
Molecular consequence: nonsense. On other transcripts: non-coding transcript variant (1), intron variant (1).
Genome position (GRCh38, 1-based): chr8:6,439,055, T>G. VCF-style: chr8-6439055-T-G. GRCh37 (hg19) VCF-style: chr8-6296576-T-G.
Other names: c.539T>G, p.Leu180Ter (NM_001322042.2, NM_001363979.1, NM_001363980.2 and 3 more transcripts); c.533T>G, p.Leu178Ter (NM_001322043.2); c.437T>G, p.Leu146Ter (NM_001322045.2); c.436+2893T>G (NM_001172575.2); short protein forms L146*, L178*, L180*.
Identifiers: ClinVar variation 5004492 (VCV005004492.1).